The following is an entry in ClinVar:

NM_000308.4(CTSA):c.105C>T (p.Ile35=)

Gene: CTSA (cathepsin A; plus strand). Cytogenetic location: 20q13.12.
Variant type: single nucleotide variant.
Coding change: c.105C>T on transcript NM_000308.4 (MANE Select); coding-DNA position 105, C replaced by T.
Protein change: p.Ile35=; no amino-acid change (isoleucine 35 retained).
Molecular consequence: synonymous variant. On other transcripts: non-coding transcript variant (1).
Genome position (GRCh38, 1-based): chr20:45,891,673, C>T. VCF-style: chr20-45891673-C-T. GRCh37 (hg19) VCF-style: chr20-44520312-C-T.
Other names: c.105C>T, p.Ile35= (NM_001127695.3, NM_001167594.3).
Identifiers: ClinVar variation 338524 (VCV000338524.64), dbSNP rs150140984, ClinGen allele CA9882926.

ClinVar aggregate classification (germline): Benign/Likely benign. Review status: criteria provided, multiple submitters, no conflicts (2 of 4 stars). 8 submissions from 8 submitters: Benign (1); Likely benign (6). 1 of the submissions does not count toward it. Last evaluated 2026-01-18.

Conditions:
Combined deficiency of sialidase AND beta galactosidase (GSL). Also called: CATHEPSIN A DEFICIENCY; NEURAMINIDASE DEFICIENCY WITH BETA-GALACTOSIDASE DEFICIENCY; NEURAMINIDASE/BETA-GALACTOSIDASE EXPRESSION; PPCA DEFICIENCY; PROTECTIVE PROTEIN/CATHEPSIN A DEFICIENCY; Galactosialidosis. Identifiers: Orphanet 351, MedGen C0268233, MONDO:0009737, OMIM 256540.

Allele frequency attached by ClinVar (database versions not stated): gnomAD exomes 0.00064; ExAC 0.00083; gnomAD 0.00219 and 0.00238; TOPMed 0.00234; ESP Exome Variant Server 0.00269; 1000 Genomes Project 0.00280; 1000 Genomes Project 30x 0.00328.

Submissions (8):

Labcorp Genetics (formerly Invitae), Labcorp
Classification: Benign for Combined deficiency of sialidase AND beta galactosidase. Last evaluated: 2026-01-18. Review status: criteria provided, single submitter. Criteria: Invitae Variant Classification Sherloc (09022015). Collection method: clinical testing. Allele origin: germline.

Women's Health and Genetics/Laboratory Corporation of America, LabCorp
Classification: Likely benign. Last evaluated: 2025-12-26. Review status: criteria provided, single submitter. Criteria: LabCorp Variant Classification Summary - May 2015. Collection method: clinical testing. Allele origin: germline.

Blueprint Genetics
Classification: Likely benign. Last evaluated: 2024-10-18. Review status: criteria provided, single submitter. Criteria: ACMG Guidelines, 2015. Collection method: clinical testing. Allele origin: germline.

Fulgent Genetics
Classification: Likely benign for Combined deficiency of sialidase AND beta galactosidase. Last evaluated: 2021-10-13. Review status: criteria provided, single submitter. Criteria: ACMG Guidelines, 2015. Collection method: clinical testing. Allele origin: unknown.

Illumina Laboratory Services, Illumina
Classification: Likely benign for Combined deficiency of sialidase AND beta galactosidase. Last evaluated: 2018-01-12. Review status: criteria provided, single submitter. Criteria: ICSL Variant Classification Criteria 13 December 2019. Collection method: clinical testing. Allele origin: germline.
Comment: This variant was observed in the ICSL laboratory as part of a predisposition screen in an ostensibly healthy population. It had not been previously curated by ICSL or reported in the Human Gene Mutation Database (HGMD: prior to June 1st, 2018), and was therefore a candidate for classification through an automated scoring system. Utilizing variant allele frequency, disease prevalence and penetrance estimates, and inheritance mode, an automated score was calculated to assess if this variant is too frequent to cause the disease. Based on the score and internal cut-off values, a variant classified as likely benign is not then subjected to further curation. The score for this variant resulted in a classification of likely benign for this disease.

CeGaT Center for Human Genetics Tuebingen
Classification: Likely benign. Last evaluated: 2017-06-01. Review status: criteria provided, single submitter. Criteria: CeGaT Center For Human Genetics Tuebingen Variant Classification Criteria Version 2. Collection method: clinical testing. Allele origin: germline. Affected: yes. Observed: 1 variant allele.

Breakthrough Genomics
Classification: Likely benign. Review status: criteria provided, single submitter. Criteria: ACMG Guidelines, 2015. Collection method: not provided. Allele origin: germline. Inheritance: Autosomal recessive inheritance. Affected: yes.

Mayo Clinic Laboratories, Mayo Clinic
Classification: Likely benign. Last evaluated: 2017-09-27. Review status: no assertion criteria provided. Collection method: clinical testing. Allele origin: unknown. Not counted in ClinVar's aggregate classification.